The following is an entry in ClinVar:

ClinVar aggregate classification (germline): Uncertain significance (1 of 4 stars; one submission).

Conditions:
Developmental and epileptic encephalopathy, 53. Also called: Epileptic encephalopathy, early infantile, 53. Identifiers: MedGen C4479313, MONDO:0033362, OMIM 617389.
Early-onset Parkinson disease 20. Also called: PARKINSON DISEASE 20, AUTOSOMAL RECESSIVE EARLY-ONSET. Identifiers: Orphanet 391411, MedGen C3809824, MONDO:0014233, OMIM 615530.

Allele frequency attached by ClinVar (database versions not stated): gnomAD exomes below 0.00001; TOPMed below 0.00001.
gnomAD v4.1: 5 of 1,549,034 alleles (0.00032%); highest among the groups gnomAD compares: Non-Finnish European, 0.00044%; no homozygotes.

Submission:

Labcorp Genetics (formerly Invitae), Labcorp
Classification: Uncertain significance for Developmental and epileptic encephalopathy, 53; Early-onset Parkinson disease 20. Last evaluated: 2020-02-12. Review status: criteria provided, single submitter. Criteria: Invitae Variant Classification Sherloc (09022015). Collection method: clinical testing. Allele origin: germline.
Comment: This variant has not been reported in the literature in individuals with SYNJ1-related conditions. This sequence change replaces glutamic acid with lysine at codon 84 of the SYNJ1 protein (p.Glu84Lys). The glutamic acid residue is highly conserved and there is a small physicochemical difference between glutamic acid and lysine. This variant is not present in population databases (ExAC no frequency). Algorithms developed to predict the effect of missense changes on protein structure and function are either unavailable or do not agree on the potential impact of this missense change (SIFT: "Tolerated"; PolyPhen-2: "Probably Damaging"; Align-GVGD: "Class C0"). In summary, the available evidence is currently insufficient to determine the role of this variant in disease. Therefore, it has been classified as a Variant of Uncertain Significance.

NM_203446.3(SYNJ1):c.133G>A (p.Glu45Lys)

Gene: SYNJ1 (synaptojanin 1; minus strand). Cytogenetic location: 21q22.11.
Variant type: single nucleotide variant.
Coding change: c.133G>A on transcript NM_203446.3 (MANE Select); coding-DNA position 133, G replaced by A.
Protein change: p.Glu45Lys; replaces glutamic acid 45 with lysine.
Molecular consequence: missense variant.
Genome position (GRCh38, 1-based): chr21:32,702,039, C>T on the plus strand (G>A on the coding strand, the complement: SYNJ1 is on the minus strand). VCF-style: chr21-32702039-C-T. GRCh37 (hg19) VCF-style: chr21-34074349-C-T.
Other names: c.133G>A, p.Glu45Lys (NM_001160302.2, NM_001160306.2); c.250G>A, p.Glu84Lys (NM_003895.4); short protein forms E45K, E84K.
Identifiers: ClinVar variation 850483 (VCV000850483.11), dbSNP rs2042422640, ClinGen allele CA410102633.